The following is an entry in ClinVar:

NM_024422.6(DSC2):c.1795C>G (p.Pro599Ala)

Gene: DSC2 (desmocollin 2; minus strand). Cytogenetic location: 18q12.1.
Variant type: single nucleotide variant.
Coding change: c.1795C>G on transcript NM_024422.6 (MANE Select); coding-DNA position 1795, C replaced by G.
Protein change: p.Pro599Ala; replaces proline 599 with alanine.
Molecular consequence: missense variant.
Genome position (GRCh38, 1-based): chr18:31,074,776, G>C on the plus strand (C>G on the coding strand, the complement: DSC2 is on the minus strand). VCF-style: chr18-31074776-G-C. GRCh37 (hg19) VCF-style: chr18-28654742-G-C.
Other names: c.1795C>G (NM_024422.3); c.1366C>G, p.Pro456Ala (NM_001406506.1, NM_001406507.1); c.1795C>G, p.Pro599Ala (NM_004949.5); short protein forms P599A, P456A.
Identifiers: ClinVar variation 2193295 (VCV002193295.7), dbSNP rs1268076293, ClinGen allele CA402113998.

ClinVar aggregate classification (germline): Uncertain significance. Review status: criteria provided, multiple submitters, no conflicts (2 of 4 stars). 4 submissions from 4 submitters: Uncertain significance (4). Last evaluated 2025-12-19.

Conditions:
Familial isolated arrhythmogenic right ventricular dysplasia. Identifiers: Orphanet 217656, MedGen C4274968, MONDO:0016342.
Arrhythmogenic right ventricular dysplasia 11. Also called: ARRHYTHMOGENIC RIGHT VENTRICULAR DYSPLASIA, FAMILIAL, 11; Arrhythmogenic Right Ventricular Dysplasia/Cardiomyopathy11; Arrhythmogenic right ventricular dysplasia 11 with mild palmoplantar keratoderma and woolly hair. Identifiers: MedGen C1864850, MONDO:0012506, OMIM 610476.
Cardiovascular phenotype. Identifiers: MedGen CN230736.

Allele frequency attached by ClinVar (database versions not stated): gnomAD 0.00001; TOPMed 0.00002; gnomAD exomes below 0.00001.
gnomAD v4.1: 6 of 1,613,908 alleles (0.00037%); highest among the groups gnomAD compares: Admixed American, 0.005%; no homozygotes.

Submissions (4):

Labcorp Genetics (formerly Invitae), Labcorp
Classification: Uncertain significance for Arrhythmogenic right ventricular dysplasia 11. Last evaluated: 2025-12-19. Review status: criteria provided, single submitter. Criteria: Invitae Variant Classification Sherloc (09022015). Collection method: clinical testing. Allele origin: germline.
Comment: This sequence change replaces proline, which is neutral and non-polar, with alanine, which is neutral and non-polar, at codon 599 of the DSC2 protein (p.Pro599Ala). This variant is present in population databases (no rsID available, gnomAD 0.006%). This variant has not been reported in the literature in individuals affected with DSC2-related conditions. ClinVar contains an entry for this variant (Variation ID: 2193295). Invitae Evidence Modeling of protein sequence and biophysical properties (such as structural, functional, and spatial information, amino acid conservation, physicochemical variation, residue mobility, and thermodynamic stability) indicates that this missense variant is not expected to disrupt DSC2 protein function with a negative predictive value of 80%. In summary, the available evidence is currently insufficient to determine the role of this variant in disease. Therefore, it has been classified as a Variant of Uncertain Significance.

Dasa
Classification: Uncertain significance. Last evaluated: 2025-10-03. Review status: criteria provided, single submitter. Criteria: DASA Assertion Criteria. Collection method: clinical testing. Allele origin: germline.
Comment: NM_024422.6(DSC2):c.1795C>G (p.Pro599Ala) is a missense variant that results in the substitution of proline with alanine. This variant is rare in population databases. The currently available literature and clinical evidence are not sufficient to establish a definitive association between this variant and the reported condition. Therefore, this variant is classified as a variant of uncertain significance.

All of Us Research Program, National Institutes of Health
Classification: Uncertain significance for Familial isolated arrhythmogenic right ventricular dysplasia. Last evaluated: 2023-12-13. Review status: criteria provided, single submitter. Criteria: ACMG Guidelines, 2015. Collection method: clinical testing. Allele origin: germline. Inheritance: Autosomal dominant inheritance. Observed: 1 variant allele, 1 heterozygote.
Comment: This missense variant replaces proline with alanine at codon 599 of the DSC2 protein. Computational prediction suggests that this variant may not impact protein structure and function (internally defined REVEL score threshold <= 0.5, PMID: 27666373). To our knowledge, functional studies have not been reported for this variant. This variant has not been reported in individuals affected with DSC2-related disorders in the literature. This variant has been identified in 3/251152 chromosomes in the general population by the Genome Aggregation Database (gnomAD). The available evidence is insufficient to determine the role of this variant in disease conclusively. Therefore, this variant is classified as a Variant of Uncertain Significance.

This study involves interpretation of variants in research participants for the purpose of population health screening. Participant phenotype was not available at the time of variant classification. Additional details can be found in publication PMID: 35346344, PMCID: PMC8962531

Ambry Genetics
Classification: Uncertain significance for Cardiovascular phenotype. Last evaluated: 2023-10-08. Review status: criteria provided, single submitter. Criteria: Ambry Variant Classification Scheme 2023. Collection method: clinical testing. Allele origin: germline.
Comment: The p.P599A variant (also known as c.1795C>G), located in coding exon 12 of the DSC2 gene, results from a C to G substitution at nucleotide position 1795. The proline at codon 599 is replaced by alanine, an amino acid with highly similar properties. This amino acid position is conserved. In addition, this alteration is predicted to be tolerated by in silico analysis. Since supporting evidence is limited at this time, the clinical significance of this alteration remains unclear.